The following is an entry in ClinVar:

ClinVar aggregate classification (germline): Uncertain significance (1 of 4 stars; one submission).

gnomAD v4.1: 5 of 1,609,520 alleles (0.00031%); highest among the groups gnomAD compares: Admixed American, 0.0084%; no homozygotes.

Submission:

Labcorp Genetics (formerly Invitae), Labcorp
Classification: Uncertain significance. Last evaluated: 2023-07-17. Review status: criteria provided, single submitter. Criteria: Invitae Variant Classification Sherloc (09022015). Collection method: clinical testing. Allele origin: germline.
Comment: In summary, the available evidence is currently insufficient to determine the role of this variant in disease. Therefore, it has been classified as a Variant of Uncertain Significance. Advanced modeling of protein sequence and biophysical properties (such as structural, functional, and spatial information, amino acid conservation, physicochemical variation, residue mobility, and thermodynamic stability) performed at Invitae indicates that this missense variant is expected to disrupt CA4 protein function. ClinVar contains an entry for this variant (Variation ID: 1509749). This missense change has been observed in individual(s) with clinical features of retinitis pigmentosa (Invitae). This variant is present in population databases (rs372344598, gnomAD 0.01%). This sequence change replaces arginine, which is basic and polar, with leucine, which is neutral and non-polar, at codon 279 of the CA4 protein (p.Arg279Leu).

NM_000717.5(CA4):c.836G>T (p.Arg279Leu)

Gene: CA4 (carbonic anhydrase 4; plus strand). Cytogenetic location: 17q23.1.
Variant type: single nucleotide variant.
Coding change: c.836G>T on transcript NM_000717.5 (MANE Select); coding-DNA position 836, G replaced by T.
Protein change: p.Arg279Leu; replaces arginine 279 with leucine.
Molecular consequence: missense variant. On other transcripts: non-coding transcript variant (1).
Genome position (GRCh38, 1-based): chr17:60,159,321, G>T. VCF-style: chr17-60159321-G-T. GRCh37 (hg19) VCF-style: chr17-58236682-G-T.
Other names: short protein forms R279L.
Identifiers: ClinVar variation 1509749 (VCV001509749.6), dbSNP rs372344598, ClinGen allele CA8685552.